The following is an entry in ClinVar:

ClinVar aggregate classification (germline): Benign (1 of 4 stars; one submission).

Allele frequency attached by ClinVar (database versions not stated): 1000 Genomes Project 0.07428; 1000 Genomes Project 30x 0.07448; TOPMed 0.11881; gnomAD 0.12963 and 0.13283.
gnomAD v4.1: 19,823 of 152,238 alleles (13%); highest among the groups gnomAD compares: Non-Finnish European, 19%; 1,721 homozygotes.

Submission:

GeneDx
Classification: Benign. Last evaluated: 2018-06-14. Review status: criteria provided, single submitter. Criteria: GeneDx Variant Classification (06012015). Collection method: clinical testing. Allele origin: germline. Affected: yes.
Comment: This variant is considered likely benign or benign based on one or more of the following criteria: it is a conservative change, it occurs at a poorly conserved position in the protein, it is predicted to be benign by multiple in silico algorithms, and/or has population frequency not consistent with disease.

NM_002887.4(RARS1):c.1452+233G>A

Gene: RARS1 (arginyl-tRNA synthetase 1; plus strand). Cytogenetic location: 5q34.
Variant type: single nucleotide variant.
Coding change: c.1452+233G>A on transcript NM_002887.4 (MANE Select); 233 bases into the intron after coding-DNA position 1452, G replaced by A.
Molecular consequence: intron variant.
Genome position (GRCh38, 1-based): chr5:168,510,919, G>A. VCF-style: chr5-168510919-G-A. GRCh37 (hg19) VCF-style: chr5-167937924-G-A.
Identifiers: ClinVar variation 669554 (VCV000669554.1), dbSNP rs2290631, ClinGen allele CA12041774.